The following is an entry in ClinVar:

NM_001388492.1(HTT):c.6415-3C>T

Gene: HTT (huntingtin; plus strand). Cytogenetic location: 4p16.3.
Variant type: single nucleotide variant.
Coding change: c.6415-3C>T on transcript NM_001388492.1 (MANE Select); 3 bases into the intron before coding-DNA position 6415, C replaced by T.
Molecular consequence: intron variant.
Genome position (GRCh38, 1-based): chr4:3,211,926, C>T. VCF-style: chr4-3211926-C-T. GRCh37 (hg19) VCF-style: chr4-3213653-C-T.
Other names: c.6415-3C>T (NM_002111.8).
Identifiers: ClinVar variation 1401604 (VCV001401604.6), dbSNP rs182308877, ClinGen allele CA2825049.

ClinVar aggregate classification (germline): Uncertain significance (1 of 4 stars; one submission).

Allele frequency attached by ClinVar (database versions not stated): gnomAD exomes 0.00003 and 0.00009; ExAC 0.00012; 1000 Genomes Project 30x 0.00031; ESP Exome Variant Server 0.00033; gnomAD 0.00035 and 0.00036; TOPMed 0.00039; 1000 Genomes Project 0.00040.

Submission:

Labcorp Genetics (formerly Invitae), Labcorp
Classification: Uncertain significance. Last evaluated: 2024-06-17. Review status: criteria provided, single submitter. Criteria: Invitae Variant Classification Sherloc (09022015). Collection method: clinical testing. Allele origin: germline.
Comment: This sequence change falls in intron 47 of the HTT gene. It does not directly change the encoded amino acid sequence of the HTT protein. It affects a nucleotide within the consensus splice site. This variant is present in population databases (rs182308877, gnomAD 0.1%). This variant has not been reported in the literature in individuals affected with HTT-related conditions. ClinVar contains an entry for this variant (Variation ID: 1401604). Variants that disrupt the consensus splice site are a relatively common cause of aberrant splicing (PMID: 17576681, 9536098). Algorithms developed to predict the effect of sequence changes on RNA splicing suggest that this variant is not likely to affect RNA splicing. In summary, the available evidence is currently insufficient to determine the role of this variant in disease. Therefore, it has been classified as a Variant of Uncertain Significance.

Literature cited by the submitters: PubMed 17576681; PubMed 9536098.